The following is an entry in ClinVar:

ClinVar aggregate classification (germline): Uncertain significance. Review status: criteria provided, multiple submitters, no conflicts (2 of 4 stars). 2 submissions from 2 submitters: Uncertain significance (2). Last evaluated 2025-11-25.

Conditions:
Cardiovascular phenotype. Identifiers: MedGen CN230736.
Dilated cardiomyopathy 1JJ (CMD1JJ). Identifiers: Orphanet 154, MedGen C3808935, MONDO:0014095, OMIM 615235.

Allele frequency attached by ClinVar (database versions not stated): TOPMed below 0.00001; gnomAD exomes 0.00001; ExAC 0.00002; ESP Exome Variant Server 0.00015.
gnomAD v4.1: 11 of 1,614,162 alleles (0.00068%); highest among the groups gnomAD compares: Non-Finnish European, 0.00085%; no homozygotes.

Submissions (2):

Labcorp Genetics (formerly Invitae), Labcorp
Classification: Uncertain significance for Dilated cardiomyopathy 1JJ. Last evaluated: 2025-11-25. Review status: criteria provided, single submitter. Criteria: Invitae Variant Classification Sherloc (09022015). Collection method: clinical testing. Allele origin: germline.
Comment: This sequence change replaces alanine, which is neutral and non-polar, with threonine, which is neutral and polar, at codon 766 of the LAMA4 protein (p.Ala766Thr). This variant is present in population databases (rs150546245, gnomAD 0.002%). This variant has not been reported in the literature in individuals affected with LAMA4-related conditions. ClinVar contains an entry for this variant (Variation ID: 2496757). Invitae Evidence Modeling of protein sequence and biophysical properties (such as structural, functional, and spatial information, amino acid conservation, physicochemical variation, residue mobility, and thermodynamic stability) indicates that this missense variant is not expected to disrupt LAMA4 protein function with a negative predictive value of 80%. In summary, the available evidence is currently insufficient to determine the role of this variant in disease. Therefore, it has been classified as a Variant of Uncertain Significance.

Ambry Genetics
Classification: Uncertain significance for Cardiovascular phenotype. Last evaluated: 2025-08-19. Review status: criteria provided, single submitter. Criteria: Ambry Variant Classification Scheme 2023. Collection method: clinical testing. Allele origin: germline.
Comment: The p.A766T variant (also known as c.2296G>A), located in coding exon 17 of the LAMA4 gene, results from a G to A substitution at nucleotide position 2296. The alanine at codon 766 is replaced by threonine, an amino acid with similar properties. This amino acid position is conserved. In addition, this alteration is predicted to be tolerated by in silico analysis. Since supporting evidence is limited at this time, the clinical significance of this alteration remains unclear.

NM_001105206.3(LAMA4):c.2317G>A (p.Ala773Thr)

Gene: LAMA4 (laminin subunit alpha 4; minus strand). Cytogenetic location: 6q21.
Variant type: single nucleotide variant.
Coding change: c.2317G>A on transcript NM_001105206.3 (MANE Select); coding-DNA position 2317, G replaced by A.
Protein change: p.Ala773Thr; replaces alanine 773 with threonine.
Molecular consequence: missense variant.
Genome position (GRCh38, 1-based): chr6:112,148,193, C>T on the plus strand (G>A on the coding strand, the complement: LAMA4 is on the minus strand). VCF-style: chr6-112148193-C-T. GRCh37 (hg19) VCF-style: chr6-112469395-C-T.
Other names: c.2296G>A, p.Ala766Thr (NM_001105207.3, NM_002290.5); short protein forms A773T, A766T.
Identifiers: ClinVar variation 2496757 (VCV002496757.4), dbSNP rs150546245, ClinGen allele CA3965511.